The following is an entry in ClinVar:

NC_000007.13:g.(?_152345727)_(152357877_?)del

Gene: XRCC2 (X-ray repair cross complementing 2; minus strand). Cytogenetic location: 7q36.1.
Variant type: Deletion.
Identifiers: ClinVar variation 3245887 (VCV003245887.1).

ClinVar aggregate classification (germline): Uncertain significance (1 of 4 stars; one submission).

Submission:

Labcorp Genetics (formerly Invitae), Labcorp
Classification: Uncertain significance. Last evaluated: 2023-05-24. Review status: criteria provided, single submitter. Criteria: Invitae Variant Classification Sherloc (09022015). Collection method: clinical testing. Allele origin: unknown.
Comment: This variant is a gross deletion of the genomic region encompassing exon(s) 2-3 of the XRCC2 gene, which includes the termination codon. This deletion extends beyond the assayed region for this gene and therefore may encompass additional genes. While this deletion is not anticipated to lead to nonsense mediated decay, it is expected to alter mRNA translation or result in a truncated protein product. This variant has not been reported in the literature in individuals affected with XRCC2-related conditions. In summary, the available evidence is currently insufficient to determine the role of this variant in disease. Therefore, it has been classified as a Variant of Uncertain Significance.